The following is an entry in ClinVar:

ClinVar aggregate classification (germline): Uncertain significance (1 of 4 stars; one submission).

Allele frequency attached by ClinVar (database versions not stated): ExAC 0.00001; gnomAD 0.00001; TOPMed 0.00001.
gnomAD v4.1: 32 of 1,611,886 alleles (0.002%); highest among the groups gnomAD compares: East Asian, 0.0022%; no homozygotes.

Submission:

Labcorp Genetics (formerly Invitae), Labcorp
Classification: Uncertain significance. Last evaluated: 2022-06-27. Review status: criteria provided, single submitter. Criteria: Invitae Variant Classification Sherloc (09022015). Collection method: clinical testing. Allele origin: germline.
Comment: This sequence change replaces arginine, which is basic and polar, with histidine, which is basic and polar, at codon 777 of the SBF1 protein (p.Arg777His). This variant is present in population databases (rs769202141, gnomAD 0.005%). This variant has not been reported in the literature in individuals affected with SBF1-related conditions. Algorithms developed to predict the effect of missense changes on protein structure and function are either unavailable or do not agree on the potential impact of this missense change (SIFT: "Deleterious"; PolyPhen-2: "Probably Damaging"; Align-GVGD: "Class C0"). In summary, the available evidence is currently insufficient to determine the role of this variant in disease. Therefore, it has been classified as a Variant of Uncertain Significance.

NM_002972.4(SBF1):c.2330G>A (p.Arg777His)

Gene: SBF1 (SET binding factor 1; minus strand). Cytogenetic location: 22q13.33.
Variant type: single nucleotide variant.
Coding change: c.2330G>A on transcript NM_002972.4 (MANE Select); coding-DNA position 2330, G replaced by A.
Protein change: p.Arg777His; replaces arginine 777 with histidine.
Molecular consequence: missense variant.
Genome position (GRCh38, 1-based): chr22:50,462,271, C>T on the plus strand (G>A on the coding strand, the complement: SBF1 is on the minus strand). VCF-style: chr22-50462271-C-T. GRCh37 (hg19) VCF-style: chr22-50900700-C-T.
Other names: c.2333G>A, p.Arg778His (NM_001365819.1, NM_001410794.1); c.2330G>A, p.Arg777His (NM_001410795.1, NM_197971.1); short protein forms R777H, R778H.
Identifiers: ClinVar variation 1905462 (VCV001905462.2), dbSNP rs769202141, ClinGen allele CA10317273.
Genomic context (GRCh38, chr22:50,462,271, plus strand): 5'-GTGACCAGGCTGTTGCTGGCGCTCTCCAGGTCGCCCAGCCCGGCACGCTCCCGAAGTAGG[C>T]GGCTCTTGCTGCTGTCCAGGGGCAGGAGGAGGTAGCTCATGCGGTTGGCATAGTGGATGG-3'
Protein context (NP_002963.2, residues 767-787): LLLPLDSSKS[Arg777His]LLRERAGLGD